The following is an entry in ClinVar:

NM_005732.4(RAD50):c.801del (p.Lys267fs)

Gene: RAD50 (RAD50 double strand break repair protein; plus strand). Cytogenetic location: 5q31.1.
Variant type: Deletion.
Coding change: c.801del on transcript NM_005732.4 (MANE Select); coding-DNA position 801, one base deleted (A; older notation c.801delA).
Protein change: p.Lys267fs; shifts the reading frame from lysine 267.
Molecular consequence: frameshift variant.
Genome position (GRCh38, 1-based): chr5:132,587,606, A deleted; the last of 3 consecutive A bases (chr5:132,587,604-132,587,606); deleting any one gives the same sequence. VCF-style (leftmost placement, unchanged base first): chr5-132587603-GA-G. GRCh37 (hg19) VCF-style: chr5-131923295-GA-G.
Other names: short protein forms K267fs.
Identifiers: ClinVar variation 1918214 (VCV001918214.5), dbSNP rs2479631668, ClinGen allele CA1081649904.

ClinVar aggregate classification (germline): Pathogenic (1 of 4 stars; one submission).

Conditions:
Hereditary cancer-predisposing syndrome. Also called: Hereditary Cancer Syndrome; Hereditary neoplastic syndrome; Neoplastic Syndromes, Hereditary; Tumor predisposition. Identifiers: Orphanet 140162, MedGen C0027672, MeSH D009386, MONDO:0015356.

Submission:

Labcorp Genetics (formerly Invitae), Labcorp
Classification: Pathogenic for Hereditary cancer-predisposing syndrome. Last evaluated: 2022-04-24. Review status: criteria provided, single submitter. Criteria: Invitae Variant Classification Sherloc (09022015). Collection method: clinical testing. Allele origin: germline.
Comment: For these reasons, this variant has been classified as Pathogenic. This variant has not been reported in the literature in individuals affected with RAD50-related conditions. This variant is not present in population databases (gnomAD no frequency). This sequence change creates a premature translational stop signal (p.Lys267Asnfs*38) in the RAD50 gene. It is expected to result in an absent or disrupted protein product. Loss-of-function variants in RAD50 are known to be pathogenic (PMID: 19409520).

Literature cited by the submitters: PubMed 19409520.